The following is an entry in ClinVar:

NM_020800.3(IFT80):c.1991A>G (p.His664Arg)

Genes: IFT80 (intraflagellar transport 80; minus strand), TRIM59-IFT80 (TRIM59-IFT80 readthrough (NMD candidate); minus strand). Cytogenetic location: 3q25.33.
Variant type: single nucleotide variant.
Coding change: c.1991A>G on transcript NM_020800.3 (MANE Select); coding-DNA position 1991, A replaced by G.
Protein change: p.His664Arg; replaces histidine 664 with arginine.
Molecular consequence: missense variant. On other transcripts: non-coding transcript variant (3).
Genome position (GRCh38, 1-based): chr3:160,277,414, T>C on the plus strand (A>G on the coding strand, the complement: IFT80 is on the minus strand). VCF-style: chr3-160277414-T-C. GRCh37 (hg19) VCF-style: chr3-159995202-T-C.
Other names: c.1580A>G, p.His527Arg (NM_001190241.2, NM_001190242.2); short protein forms H664R, H527R.
Identifiers: ClinVar variation 618689 (VCV000618689.8), dbSNP rs1559914730, ClinGen allele CA355190352.

ClinVar aggregate classification (germline): Uncertain significance (1 of 4 stars; one submission).

Allele frequency attached by ClinVar (database versions not stated): TOPMed 0.00001.

Submission:

ARUP Laboratories, Molecular Genetics and Genomics, ARUP Laboratories
Classification: Uncertain significance. Last evaluated: 2018-01-02. Review status: criteria provided, single submitter. Criteria: ARUP Molecular Germline Variant Investigation Process. Collection method: clinical testing. Allele origin: germline.
Comment: The IFT80 c.1991A>G p.His664Arg variant, to our knowledge, is not reported in the medical literature, gene specific variation databases, nor has it been previously identified by our laboratory. This variant is absent from the general population databases (1000 Genomes Project, Exome Variant Server, Genome Aggregation Database), indicating it is not a common polymorphism. The histidine at position 664 is moderately well conserved and computational analyses of the effects of the His664Arg variant on protein structure and function provide conflicting predictions (SIFT: tolerated, MutationTaster: disease causing, PolyPhen-2: benign). Based on all of the available evidence, the clinical significance of the p.His664Arg variant cannot be determined with certainty.